The following is an entry in ClinVar:

NM_001348768.2(HECW2):c.2031G>C (p.Gln677His)

Gene: HECW2 (HECT, C2 and WW domain containing E3 ubiquitin protein ligase 2; minus strand). Cytogenetic location: 2q32.3.
Variant type: single nucleotide variant.
Coding change: c.2031G>C on transcript NM_001348768.2 (MANE Select); coding-DNA position 2031, G replaced by C.
Protein change: p.Gln677His; replaces glutamine 677 with histidine.
Molecular consequence: missense variant.
Genome position (GRCh38, 1-based): chr2:196,318,859, C>G on the plus strand (G>C on the coding strand, the complement: HECW2 is on the minus strand). VCF-style: chr2-196318859-C-G. GRCh37 (hg19) VCF-style: chr2-197183583-C-G.
Other names: c.963G>C, p.Gln321His (NM_001304840.3); c.2031G>C, p.Gln677His (NM_020760.4); short protein forms Q321H, Q677H.
Identifiers: ClinVar variation 1690934 (VCV001690934.4), dbSNP rs2105754941, ClinGen allele CA349964696.

ClinVar aggregate classification (germline): Uncertain significance. Review status: criteria provided, multiple submitters, no conflicts (2 of 4 stars). 2 submissions from 2 submitters: Uncertain significance (2). Last evaluated 2025-11-24.

Conditions:
Neurodevelopmental disorder with hypotonia, seizures, and absent language (NDHSAL). Identifiers: MedGen C4310643, MONDO:0014995, OMIM 617268.

Submissions (2):

Dasa
Classification: Uncertain significance for Neurodevelopmental disorder with hypotonia, seizures, and absent language. Last evaluated: 2025-11-24. Review status: criteria provided, single submitter. Criteria: DASA Assertion Criteria. Collection method: clinical testing. Allele origin: germline.
Comment: NM_001348768.2(HECW2):c.2031G>C (p.Gln677His) is a missense variant that results in the substitution of glutamine with histidine. This variant is absent from population databases. The currently available literature and clinical evidence are not sufficient to establish a definitive association between this variant and the reported condition. Therefore, this variant is classified as a variant of uncertain significance.

Laboratorio de Genetica e Diagnostico Molecular, Hospital Israelita Albert Einstein
Classification: Uncertain significance. Last evaluated: 2020-09-04. Review status: criteria provided, single submitter. Criteria: ACMG Guidelines, 2015. Collection method: clinical testing. Allele origin: germline. Affected: yes.
Comment: ACMG classification criteria: PM2, BP4